The following is an entry in ClinVar:

NM_001391906.1(EIF4G3):c.-361GGC[14]

Gene: EIF4G3 (eukaryotic translation initiation factor 4 gamma 3; minus strand). Cytogenetic location: 1p36.12.
Variant type: Microsatellite.
Coding change: c.-361GGC[14] on transcript NM_001391906.1 (MANE Select); 14 copies in a row of the 3-base unit GGC starting at c.-361; the reference has 11 copies in a row; three copies, 9 bases duplicated.
Molecular consequence: 5 prime UTR variant. On other transcripts: intron variant (6).
Genome position (GRCh38, 1-based): chr1:21,176,232-21,176,240, GCCGCCGCC duplicated on the plus strand (GGCGGCGGC on the coding strand, the reverse complement: EIF4G3 is on the minus strand); duplicating any 9 consecutive bases within chr1:21,176,232-21,176,266 gives the same sequence; the position shown is the placement nearest the transcript's 3' end. VCF-style (leftmost placement, unchanged base first): chr1-21176231-T-TGCCGCCGCC. GRCh37 (hg19) VCF-style: chr1-21502724-T-TGCCGCCGCC.
Other names: c.-361GGC[14] (NM_001198801.3, NM_001198802.3, NM_001391892.1 and 9 more transcripts); c.-631GGC[14] (NM_001391897.1); c.-196+458GGC[14] (NM_001391899.1, NM_001391893.1); c.-272+458GGC[14] (NM_001391903.1); c.-333+458GGC[14] (NM_001391894.1, NM_001391905.1, NM_001438678.1).
Identifiers: ClinVar variation 4681261 (VCV004681261.5).
Genomic context (GRCh38, chr1:21,176,231, plus strand): 5'-ATACTGTTGGGGCGCCTGAGTCTGGAGGGCCCTGATGTTCGGGTGAGGAGGGGGGACCGC[T>TGCCGCCGCC]GCCGCCGCCGCCGCCGCCGCCGCCGCCGCCGCCGCTGCTGCCGCCGCCGGGTGAGGAGGC-3'

ClinVar aggregate classification (germline): Likely benign (1 of 4 stars; one submission).

Submission:

CeGaT Center for Human Genetics Tuebingen
Classification: Likely benign. Last evaluated: 2025-12-01. Review status: criteria provided, single submitter. Criteria: CeGaT Center For Human Genetics Tuebingen Variant Classification Criteria Version 2. Collection method: clinical testing. Allele origin: germline. Affected: yes. Observed: 1 variant allele.
Comment: EIF4G3: BS2